The following is an entry in ClinVar:

NM_000353.3(TAT):c.972G>C (p.Gln324His)

Genes: TAT (tyrosine aminotransferase; minus strand), TAT-AS1 (TAT antisense RNA 1; plus strand). Cytogenetic location: 16q22.2.
Variant type: single nucleotide variant.
Coding change: c.972G>C on transcript NM_000353.3 (MANE Select); coding-DNA position 972, G replaced by C.
Protein change: p.Gln324His; replaces glutamine 324 with histidine.
Molecular consequence: missense variant.
Genome position (GRCh38, 1-based): chr16:71,570,338, C>G on the plus strand (G>C on the coding strand, the complement: TAT is on the minus strand). VCF-style: chr16-71570338-C-G. GRCh37 (hg19) VCF-style: chr16-71604241-C-G.
Other names: short protein forms Q324H.
Identifiers: ClinVar variation 5003491 (VCV005003491.1).

ClinVar aggregate classification (germline): Uncertain significance (1 of 4 stars; one submission).

Conditions:
Tyrosinemia type II (TYRSN2). Also called: OREGON TYPE TYROSINEMIA; TAT DEFICIENCY; TYROSINE AMINOTRANSFERASE DEFICIENCY; TYROSINE TRANSAMINASE DEFICIENCY; KERATOSIS PALMOPLANTARIS WITH CORNEAL DYSTROPHY. Identifiers: Orphanet 28378, MedGen C0268487, MONDO:0010160, OMIM 276600.

Submission:

Myriad Genetics, Inc.
Classification: Uncertain significance for Tyrosinemia type II. Last evaluated: 2025-08-27. Review status: criteria provided, single submitter. Criteria: Myriad Autosomal Dominant, Autosomal Recessive and X-Linked Classification Criteria (2023). Collection method: clinical testing. Allele origin: unknown.
Comment: NM_000353.2(TAT):c.972G>C(Q324H) is a missense variant classified as a variant of uncertain significance in the context of tyrosinemia type II. Q324H has been observed in a case with relevant disease (PMID: 28255985). Relevant functional assessments of this variant are not available in the literature. Q324H has not been observed in referenced population frequency databases. In summary, there is insufficient evidence to classify NM_000353.2(TAT):c.972G>C(Q324H) as pathogenic or benign. Please note: this variant was assessed in the context of healthy population screening.

Literature cited by the submitters: PubMed 28255985.